The following is an entry in ClinVar:

NC_000011.9:g.(?_85339652)_(85367545_?)dup

Genes: TMEM126A (transmembrane protein 126A; plus strand), TMEM126B (transmembrane protein 126B; plus strand). Cytogenetic location: 11q14.1.
Variant type: Duplication.
Identifiers: ClinVar variation 2427028 (VCV002427028.3).

ClinVar aggregate classification (germline): Uncertain significance (1 of 4 stars; one submission).

Submission:

Labcorp Genetics (formerly Invitae), Labcorp
Classification: Uncertain significance. Last evaluated: 2022-01-12. Review status: criteria provided, single submitter. Criteria: Invitae Variant Classification Sherloc (09022015). Collection method: clinical testing. Allele origin: germline.
Comment: A copy number gain of the genomic region encompassing the full coding sequence of the TMEM126A gene has been identified. The boundaries of this event are unknown as they extend beyond the assayed region for this gene and therefore may encompass additional genes. As the precise location of this event is unknown, it may be in tandem or it may be located elsewhere in the genome. This variant has not been reported in the literature in individuals affected with TMEM126A-related conditions. In summary, the available evidence is currently insufficient to determine the role of this variant in disease. Therefore, it has been classified as a Variant of Uncertain Significance.